The following is an entry in ClinVar:

NM_024596.5(MCPH1):c.2418C>A (p.Ala806=)

Genes: MCPH1-AS1 (MCPH1 antisense RNA 1; minus strand), MCPH1 (microcephalin 1; plus strand). Cytogenetic location: 8p23.1.
Variant type: single nucleotide variant.
Coding change: c.2418C>A on transcript NM_024596.5 (MANE Select); coding-DNA position 2418, C replaced by A.
Protein change: p.Ala806=; no amino-acid change (alanine 806 retained).
Molecular consequence: synonymous variant.
Genome position (GRCh38, 1-based): chr8:6,621,657, C>A. VCF-style: chr8-6621657-C-A. GRCh37 (hg19) VCF-style: chr8-6479178-C-A.
Other names: c.2139C>A, p.Ala713= (NM_001363980.2); c.2418C>A, p.Ala806= (NM_001363979.1, NM_001322042.2).
Identifiers: ClinVar variation 158857 (VCV000158857.29), dbSNP rs2912016, ClinGen allele CA172531.

ClinVar aggregate classification (germline): Benign. Review status: criteria provided, multiple submitters, no conflicts (2 of 4 stars). 13 submissions from 13 submitters: Benign (11). 2 of the submissions do not count toward it. Last evaluated 2026-04-27.

Conditions:
Microcephaly 1, primary, autosomal recessive (MCPH1). Also called: PREMATURE CHROMOSOME CONDENSATION SYNDROME; PCC SYNDROME; PREMATURE CHROMOSOME CONDENSATION WITH MICROCEPHALY AND MENTAL RETARDATION. Identifiers: Orphanet 2512, MedGen C1855081, MONDO:0009617, OMIM 251200.

Allele frequency attached by ClinVar (database versions not stated): ESP Exome Variant Server 0.36259; ExAC 0.36809; TOPMed 0.37304; gnomAD 0.37333 and 0.37530; 1000 Genomes Project 30x 0.39288; 1000 Genomes Project 0.39377.
gnomAD v4.1: 584,778 of 1,613,730 alleles (36%); highest among the groups gnomAD compares: East Asian, 45%; 106,687 homozygotes.

Submissions (13):

Women's Health and Genetics/Laboratory Corporation of America, LabCorp
Classification: Benign. Last evaluated: 2026-04-27. Review status: criteria provided, single submitter. Criteria: LabCorp Variant Classification Summary - May 2015. Collection method: clinical testing. Allele origin: germline.

Labcorp Genetics (formerly Invitae), Labcorp
Classification: Benign. Last evaluated: 2026-02-04. Review status: criteria provided, single submitter. Criteria: Invitae Variant Classification Sherloc (09022015). Collection method: clinical testing. Allele origin: germline.

Blueprint Genetics
Classification: Benign. Last evaluated: 2024-11-27. Review status: criteria provided, single submitter. Criteria: ACMG Guidelines, 2015. Collection method: clinical testing. Allele origin: germline.

Genome-Nilou Lab
Classification: Benign for Microcephaly 1, primary, autosomal recessive. Last evaluated: 2021-09-05. Review status: criteria provided, single submitter. Criteria: ACMG Guidelines, 2015. Collection method: clinical testing. Allele origin: germline. Affected: no.

Illumina Laboratory Services, Illumina
Classification: Benign for Microcephaly 1, primary, autosomal recessive. Last evaluated: 2018-01-12. Review status: criteria provided, single submitter. Criteria: ICSL Variant Classification Criteria 13 December 2019. Collection method: clinical testing. Allele origin: germline.
Comment: This variant was observed in the ICSL laboratory as part of a predisposition screen in an ostensibly healthy population. It had not been previously curated by ICSL or reported in the Human Gene Mutation Database (HGMD: prior to June 1st, 2018), and was therefore a candidate for classification through an automated scoring system. Utilizing variant allele frequency, disease prevalence and penetrance estimates, and inheritance mode, an automated score was calculated to assess if this variant is too frequent to cause the disease. Based on the score and internal cut-off values, a variant classified as benign is not then subjected to further curation. The score for this variant resulted in a classification of benign for this disease.

Athena Diagnostics
Classification: Benign. Last evaluated: 2017-08-02. Review status: criteria provided, single submitter. Criteria: Athena Diagnostics Criteria. Collection method: clinical testing. Allele origin: germline.

Clinical Genetics DNA and cytogenetics Diagnostics Lab, Erasmus MC, Erasmus Medical Center
Classification: Benign for Microcephaly 1, primary, autosomal recessive. Last evaluated: 2017-06-28. Review status: criteria provided, single submitter. Criteria: ACGS Guidelines, 2013. Collection method: clinical testing. Allele origin: germline. Affected: yes. Study: VKGL Data-share Consensus.

GeneDx
Classification: Benign. Last evaluated: 2015-03-03. Review status: criteria provided, single submitter. Criteria: GeneDx Variant Classification Process June 2021. Collection method: clinical testing. Allele origin: germline. Affected: yes.

Eurofins Ntd Llc (ga)
Classification: Benign. Last evaluated: 2014-04-10. Review status: criteria provided, single submitter. Criteria: EGL Classification Definitions 2015. Collection method: clinical testing. Allele origin: germline. Observed: 3 variant alleles, 2 heterozygotes, 1 homozygote.

Genetic Services Laboratory, University of Chicago
Classification: Benign. Last evaluated: 2013-02-08. Review status: criteria provided, single submitter. Criteria: ACMG Guidelines, 2007. Collection method: clinical testing. Allele origin: germline. Inheritance: Autosomal recessive inheritance.

Breakthrough Genomics
Classification: Benign. Review status: criteria provided, single submitter. Criteria: ACMG Guidelines, 2015. Collection method: not provided. Allele origin: germline. Inheritance: Autosomal recessive inheritance. Affected: yes.

Diagnostic Laboratory, Department of Genetics, University Medical Center Groningen
Classification: Benign for Microcephaly 1, primary, autosomal recessive. Review status: no assertion criteria provided. Collection method: clinical testing. Allele origin: germline. Affected: yes. Study: VKGL Data-share Consensus. Not counted in ClinVar's aggregate classification.

Joint Genome Diagnostic Labs from Nijmegen and Maastricht, Radboudumc and MUMC+
Classification: Benign. Review status: no assertion criteria provided. Collection method: clinical testing. Allele origin: germline. Affected: yes. Study: VKGL Data-share Consensus. Not counted in ClinVar's aggregate classification.